The following is an entry in ClinVar:

NM_212482.4(FN1):c.2552G>C (p.Gly851Ala)

Gene: FN1 (fibronectin 1; minus strand). Cytogenetic location: 2q35.
Variant type: single nucleotide variant.
Coding change: c.2552G>C on transcript NM_212482.4 (MANE Select); coding-DNA position 2552, G replaced by C.
Protein change: p.Gly851Ala; replaces glycine 851 with alanine.
Molecular consequence: missense variant.
Genome position (GRCh38, 1-based): chr2:215,407,288, C>G on the plus strand (G>C on the coding strand, the complement: FN1 is on the minus strand). VCF-style: chr2-215407288-C-G. GRCh37 (hg19) VCF-style: chr2-216272011-C-G.
Other names: c.2552G>C, p.Gly851Ala (NM_001365522.2, NM_001365523.2, NM_001365524.2 and 13 more transcripts); short protein forms G851A.
Identifiers: ClinVar variation 5006207 (VCV005006207.2).
Genomic context (GRCh38, chr2:215,407,288, plus strand): 5'-TGCAAGTCACTGAGGGTGACGGAGTTTGCAGTTTCAGGAAGGTTGAGTTCTGTGCTGCTA[C>G]CTTCTACTGATGGCGAATAGACTATTCTGTACCCTGCAGATTCATGAGCAAAAGTAAGAT-3'
Protein context (NP_997647.2, residues 841-861): YRIVYSPSVE[Gly851Ala]SSTELNLPET

ClinVar aggregate classification (germline): Uncertain significance (1 of 4 stars; one submission).

Conditions:
Spondylometaphyseal dysplasia - Sutcliffe type. Also called: Spondylometaphyseal Dysplasia, Corner Fracture Type; Sutcliffe type of spondylometaphyseal dysplasia; Sutcliffe SMD; Spondylometaphyseal dysplasia, 'corner fracture' type. Identifiers: Orphanet 93315, MedGen C0432221, MONDO:0008479, OMIM 184255.
Glomerulopathy with fibronectin deposits 2 (GFND2). Identifiers: Orphanet 84090, MedGen C1866075, MONDO:0011165, OMIM 601894.

Submission:

Juno Genomics, Hangzhou Juno Genomics, Inc
Classification: Uncertain significance for Spondylometaphyseal dysplasia - Sutcliffe type; Glomerulopathy with fibronectin deposits 2. Review status: criteria provided, single submitter. Criteria: ACMG Guidelines, 2015. Collection method: clinical testing. Allele origin: germline.
Comment: Absent from controls (or at extremely low frequency if recessive) in Genome Aggregation Database.;Missense variant in a gene that has a low rate of benign missense variation.